The following is an entry in ClinVar:

NM_000404.4(GLB1):c.1423C>T (p.Leu475Phe)

Gene: GLB1 (galactosidase beta 1; minus strand). Cytogenetic location: 3p22.3.
Variant type: single nucleotide variant.
Coding change: c.1423C>T on transcript NM_000404.4 (MANE Select); coding-DNA position 1423, C replaced by T.
Protein change: p.Leu475Phe; replaces leucine 475 with phenylalanine.
Molecular consequence: missense variant.
Genome position (GRCh38, 1-based): chr3:33,016,765, G>A on the plus strand (C>T on the coding strand, the complement: GLB1 is on the minus strand). VCF-style: chr3-33016765-G-A. GRCh37 (hg19) VCF-style: chr3-33058257-G-A.
Other names: c.1333C>T, p.Leu445Phe (NM_001079811.3); c.1030C>T, p.Leu344Phe (NM_001135602.3); c.1567C>T, p.Leu523Phe (NM_001317040.2); c.1423C>T, p.Leu475Phe (NM_001393580.1); short protein forms L475F, L523F, L445F, L344F.
Identifiers: ClinVar variation 2077647 (VCV002077647.2), dbSNP rs775103521, ClinGen allele CA2299391.
Genomic context (GRCh38, chr3:33,016,765, plus strand): 5'-CTACCTTAAAATCGTTGATATATGCACCATAGTTCACACGTCCCATGTTCTCTACCAGAA[G>A]GTCCAGAGTGGCTCCAGCTTTCCCTGTTATGTTCAGAGTGATCACATTGTTTCGCTCAAG-3'
Protein context (NP_000395.3, residues 465-485): ITGKAGATLD[Leu475Phe]LVENMGRVNY

ClinVar aggregate classification (germline): Uncertain significance (1 of 4 stars; one submission).

Conditions:
GM1 gangliosidosis. Identifiers: Orphanet 354, MedGen C0085131, MONDO:0018149.
Mucopolysaccharidosis, MPS-IV-B (MPS4B). Also called: MORQUIO SYNDROME B; Mucopolysaccharidosis Type IVB (Morquio B Disease); Mucopolysaccharidosis type IV B; Mucopolysaccharidosis Type IVB; Mucopolysaccharidosis type 4B; Mucopolysaccharidosis type IVB (Morquio). Identifiers: Orphanet 309310, Orphanet 582, MedGen C0086652, MONDO:0009660, OMIM 253010.

Allele frequency attached by ClinVar (database versions not stated): gnomAD exomes below 0.00001; ExAC 0.00001; gnomAD 0.00001; TOPMed 0.00001.
gnomAD v4.1: 8 of 1,614,016 alleles (0.0005%); highest among the groups gnomAD compares: Admixed American, 0.005%; no homozygotes.

Submission:

Labcorp Genetics (formerly Invitae), Labcorp
Classification: Uncertain significance for Mucopolysaccharidosis, MPS-IV-B; GM1 gangliosidosis. Last evaluated: 2023-12-11. Review status: criteria provided, single submitter. Criteria: Invitae Variant Classification Sherloc (09022015). Collection method: clinical testing. Allele origin: germline.
Comment: This sequence change replaces leucine, which is neutral and non-polar, with phenylalanine, which is neutral and non-polar, at codon 475 of the GLB1 protein (p.Leu475Phe). This variant is present in population databases (rs775103521, gnomAD 0.003%). This variant has not been reported in the literature in individuals affected with GLB1-related conditions. ClinVar contains an entry for this variant (Variation ID: 2077647). Advanced modeling of protein sequence and biophysical properties (such as structural, functional, and spatial information, amino acid conservation, physicochemical variation, residue mobility, and thermodynamic stability) has been performed at Invitae for this missense variant, however the output from this modeling did not meet the statistical confidence thresholds required to predict the impact of this variant on GLB1 protein function. In summary, the available evidence is currently insufficient to determine the role of this variant in disease. Therefore, it has been classified as a Variant of Uncertain Significance.